The following is an entry in ClinVar:

ClinVar aggregate classification (germline): Uncertain significance (1 of 4 stars; one submission).

Submission:

Labcorp Genetics (formerly Invitae), Labcorp
Classification: Uncertain significance. Last evaluated: 2023-01-22. Review status: criteria provided, single submitter. Criteria: Invitae Variant Classification Sherloc (09022015). Collection method: clinical testing. Allele origin: germline.
Comment: In summary, the available evidence is currently insufficient to determine the role of this variant in disease. Therefore, it has been classified as a Variant of Uncertain Significance. Experimental studies and prediction algorithms are not available or were not evaluated, and the functional significance of this variant is currently unknown. This variant has not been reported in the literature in individuals affected with FOXI3-related conditions. The frequency data for this variant in the population databases is considered unreliable, as metrics indicate insufficient coverage at this position in the gnomAD database. This sequence change replaces aspartic acid, which is acidic and polar, with tyrosine, which is neutral and polar, at codon 7 of the FOXI3 protein (p.Asp7Tyr).

NM_001135649.3(FOXI3):c.19G>T (p.Asp7Tyr)

Gene: FOXI3 (forkhead box I3; minus strand). Cytogenetic location: 2p11.2.
Variant type: single nucleotide variant.
Coding change: c.19G>T on transcript NM_001135649.3 (MANE Select); coding-DNA position 19, G replaced by T.
Protein change: p.Asp7Tyr; replaces aspartic acid 7 with tyrosine.
Molecular consequence: missense variant.
Genome position (GRCh38, 1-based): chr2:88,452,517, C>A on the plus strand (G>T on the coding strand, the complement: FOXI3 is on the minus strand). VCF-style: chr2-88452517-C-A. GRCh37 (hg19) VCF-style: chr2-88752035-C-A.
Other names: short protein forms D7Y.
Identifiers: ClinVar variation 2967392 (VCV002967392.3), dbSNP rs1206662396, ClinGen allele CA347767225.